The following is an entry in ClinVar:

ClinVar aggregate classification (germline): Uncertain significance (1 of 4 stars; one submission).

Conditions:
Inborn genetic diseases. Identifiers: MedGen C0950123, MeSH D030342.

Allele frequency attached by ClinVar (database versions not stated): gnomAD 0.00001; TOPMed 0.00001.

Submission:

Ambry Genetics
Classification: Uncertain significance for Inborn genetic diseases. Last evaluated: 2019-03-22. Review status: criteria provided, single submitter. Criteria: Ambry Variant Classification Scheme 2023. Collection method: clinical testing. Allele origin: germline.
Comment: The p.M103T variant (also known as c.308T>C), located in coding exon 2 of the CACNA1A gene, results from a T to C substitution at nucleotide position 308. The methionine at codon 103 is replaced by threonine, an amino acid with similar properties. This amino acid position is highly conserved in available vertebrate species. In addition, the in silico prediction for this alteration is inconclusive. Since supporting evidence is limited at this time, the clinical significance of this alteration remains unclear.

NM_001127222.2(CACNA1A):c.308T>C (p.Met103Thr)

Gene: CACNA1A (calcium voltage-gated channel subunit alpha1 A; minus strand). Cytogenetic location: 19p13.13.
Variant type: single nucleotide variant.
Coding change: c.308T>C on transcript NM_001127222.2 (MANE Select); coding-DNA position 308, T replaced by C.
Protein change: p.Met103Thr; replaces methionine 103 with threonine.
Molecular consequence: missense variant.
Genome position (GRCh38, 1-based): chr19:13,455,198, A>G on the plus strand (T>C on the coding strand, the complement: CACNA1A is on the minus strand). VCF-style: chr19-13455198-A-G. GRCh37 (hg19) VCF-style: chr19-13566012-A-G.
Other names: c.308T>C, p.Met103Thr (NM_000068.4, NM_001127221.2, NM_001174080.2 and 1 more transcripts); short protein forms M103T.
Identifiers: ClinVar variation 1727451 (VCV001727451.2), dbSNP rs2060984965, ClinGen allele CA404967939.
Genomic context (GRCh38, chr19:13,455,198, plus strand): 5'-TCAGGCAGATGCTGCTCCAGTGCGAGGACGATGCAATTCGCTATGATGGTGGCTAAAATC[A>G]TATATTCAAAGGGAGTATTGGGGAATTAAGGAAAAATCTTGTTCAAAGAAAAGAAGGGTG-3'
Protein context (NP_001120694.1, residues 93-113): KITEWPPFEY[Met103Thr]ILATIIANCI